The following is an entry in ClinVar:

NM_001048174.2(MUTYH):c.609A>G (p.Ala203=)

Gene: MUTYH (mutY DNA glycosylase; minus strand). Cytogenetic location: 1p34.1.
Variant type: single nucleotide variant.
Coding change: c.609A>G on transcript NM_001048174.2 (MANE Select); coding-DNA position 609, A replaced by G.
Protein change: p.Ala203=; no amino-acid change (alanine 203 retained).
Molecular consequence: synonymous variant. On other transcripts: non-coding transcript variant (2).
Genome position (GRCh38, 1-based): chr1:45,332,486, T>C on the plus strand (A>G on the coding strand, the complement: MUTYH is on the minus strand). VCF-style: chr1-45332486-T-C. GRCh37 (hg19) VCF-style: chr1-45798158-T-C.
Other names: c.609A>G, p.Ala203= (NM_001048171.2, NM_001048173.2, NM_001293195.2); c.612A>G, p.Ala204= (NM_001048172.2); c.693A>G, p.Ala231= (NM_001128425.2); c.654A>G, p.Ala218= (NM_001293190.2); c.642A>G, p.Ala214= (NM_001293191.2); c.333A>G, p.Ala111= (NM_001293192.2, NM_001293196.2); c.264A>G, p.Ala88= (NM_001350650.2, NM_001350651.2); c.684A>G, p.Ala228= (NM_012222.3).
Identifiers: ClinVar variation 384668 (VCV000384668.11), dbSNP rs908344724, ClinGen allele CA16603653.

ClinVar aggregate classification (germline): Likely benign. Review status: criteria provided, multiple submitters, no conflicts (2 of 4 stars). 3 submissions from 3 submitters: Likely benign (3). Last evaluated 2025-11-10.

Conditions:
Hereditary cancer-predisposing syndrome. Also called: Neoplastic Syndromes, Hereditary; Hereditary Cancer Syndrome; Hereditary neoplastic syndrome; Tumor predisposition. Identifiers: Orphanet 140162, MedGen C0027672, MeSH D009386, MONDO:0015356.
Familial adenomatous polyposis 2. Also called: ADENOMAS, MULTIPLE COLORECTAL, AUTOSOMAL RECESSIVE; MYH-associated polyposis; Adenomas, multiple colorectal; MUTYH Polyposis; COLORECTAL ADENOMATOUS POLYPOSIS, AUTOSOMAL RECESSIVE; FAP type 2. Identifiers: Orphanet 220460, Orphanet 247798, MedGen C3272841, MONDO:0012041, OMIM 608456.

Allele frequency attached by ClinVar (database versions not stated): gnomAD exomes below 0.00001; gnomAD 0.00001; TOPMed 0.00002.
gnomAD v4.1: 3 of 1,613,974 alleles (0.00019%); highest among the groups gnomAD compares: African/African-American, 0.004%; no homozygotes.

Submissions (3):

Labcorp Genetics (formerly Invitae), Labcorp
Classification: Likely benign for Familial adenomatous polyposis 2. Last evaluated: 2025-11-10. Review status: criteria provided, single submitter. Criteria: Invitae Variant Classification Sherloc (09022015). Collection method: clinical testing. Allele origin: germline.

Ambry Genetics
Classification: Likely benign for Hereditary cancer-predisposing syndrome. Last evaluated: 2022-11-15. Review status: criteria provided, single submitter. Criteria: Ambry Variant Classification Scheme 2023. Collection method: clinical testing. Allele origin: germline.

GeneDx
Classification: Likely benign. Last evaluated: 2017-02-03. Review status: criteria provided, single submitter. Criteria: GeneDx Variant Classification (06012015). Collection method: clinical testing. Allele origin: germline. Affected: yes.
Comment: This variant is considered likely benign or benign based on one or more of the following criteria: it is a conservative change, it occurs at a poorly conserved position in the protein, it is predicted to be benign by multiple in silico algorithms, and/or has population frequency not consistent with disease.